The following is an entry in ClinVar:

ClinVar aggregate classification (germline): Uncertain significance (1 of 4 stars; one submission).

Allele frequency attached by ClinVar (database versions not stated): gnomAD 0.00001; gnomAD exomes 0.00002 and 0.00003; ExAC 0.00004; TOPMed 0.00004.
gnomAD v4.1: 28 of 1,612,680 alleles (0.0017%); highest among the groups gnomAD compares: Admixed American, 0.01%; no homozygotes.

Submission:

Labcorp Genetics (formerly Invitae), Labcorp
Classification: Uncertain significance. Last evaluated: 2025-03-23. Review status: criteria provided, single submitter. Criteria: Invitae Variant Classification Sherloc (09022015). Collection method: clinical testing. Allele origin: germline.
Comment: This sequence change replaces arginine, which is basic and polar, with glutamine, which is neutral and polar, at codon 250 of the SEPT9 protein (p.Arg250Gln). This variant is present in population databases (rs536707494, gnomAD 0.02%). This variant has not been reported in the literature in individuals affected with SEPT9-related conditions. ClinVar contains an entry for this variant (Variation ID: 1682624). Invitae Evidence Modeling of protein sequence and biophysical properties (such as structural, functional, and spatial information, amino acid conservation, physicochemical variation, residue mobility, and thermodynamic stability) indicates that this missense variant is not expected to disrupt SEPT9 protein function with a negative predictive value of 80%. In summary, the available evidence is currently insufficient to determine the role of this variant in disease. Therefore, it has been classified as a Variant of Uncertain Significance.

NM_001113491.2(SEPTIN9):c.803G>A (p.Arg268Gln)

Gene: SEPTIN9 (septin 9; plus strand). Cytogenetic location: 17q25.3.
Variant type: single nucleotide variant.
Coding change: c.803G>A on transcript NM_001113491.2 (MANE Select); coding-DNA position 803, G replaced by A.
Protein change: p.Arg268Gln; replaces arginine 268 with glutamine.
Molecular consequence: missense variant.
Genome position (GRCh38, 1-based): chr17:77,482,225, G>A. VCF-style: chr17-77482225-G-A. GRCh37 (hg19) VCF-style: chr17-75478307-G-A.
Other names: c.311G>A, p.Arg104Gln (NM_001113492.2, NM_001113494.1); c.782G>A, p.Arg261Gln (NM_001113493.2); c.50G>A, p.Arg17Gln (NM_001113495.2, NM_001113496.2, NM_001293697.2 and 1 more transcripts); c.746G>A, p.Arg249Gln (NM_001293695.2); c.131G>A, p.Arg44Gln (NM_001293696.2); c.749G>A, p.Arg250Gln (NM_006640.5); short protein forms R104Q, R17Q, R249Q, R250Q, R261Q, R268Q, R44Q.
Identifiers: ClinVar variation 1682624 (VCV001682624.4), dbSNP rs536707494, ClinGen allele CA8793529.